The following continues an entry in ClinVar:

NM_000088.4(COL1A1):c.3118G>A (p.Gly1040Ser)

Gene: COL1A1. ClinVar aggregate classification (germline): Pathogenic. Pathogenic (11).

Submissions 9 to 13 of 13:

Victorian Clinical Genetics Services, Murdoch Childrens Research Institute
Classification: Pathogenic for Osteogenesis imperfecta type I. Last evaluated: 2020-07-02. Review status: criteria provided, single submitter. Criteria: ACMG Guidelines, 2015. Collection method: clinical testing. Allele origin: germline. Inheritance: Autosomal dominant inheritance. Affected: yes.
Comment: Based on the classification scheme VCGS_Germline_v1.3.3, this variant is classified as Pathogenic. Following criteria are met: 0103 - Dominant negative and loss of function are known mechanisms of disease in this gene and are associated with osteogenesis imperfecta. Haploinsufficiency and missense variants that disrupt collagen structure are both known to be pathogenic (PMID: 12362985). (I) 0107 - This gene is associated with autosomal dominant disease. (I) 0200 - Variant is predicted to result in a missense amino acid change from glycine to serine. (I) 0251 - This variant is heterozygous. (I) 0301 - Variant is absent from gnomAD (both v2 and v3). (SP) 0501 - Missense variant consistently predicted to be damaging by multiple in silico tools or highly conserved with a major amino acid change. (SP) 0601 - Variant is located in the well-established functional Gly-X-Y motif. Variants that disrupt the glycine of the Gly-X-Y motif are known to product structural defects in the collagen molecule (PMID: 12362985). (SP) 0801 - This variant has strong previous evidence of pathogenicity in unrelated individuals. This variant has been reported in many individuals with osteogenesis imperfecta in ClinVar and the literature (PMID: 17078022, 26177859, 27509835). (SP) 1208 - Inheritance information for this variant is not currently available in this individual. (I) Legend: (SP) - Supporting pathogenic, (I) - Information, (SB) - Supporting benign

ARUP Laboratories, Molecular Genetics and Genomics, ARUP Laboratories
Classification: Pathogenic. Last evaluated: 2020-04-29. Review status: criteria provided, single submitter. Criteria: ARUP Molecular Germline Variant Investigation Process. Collection method: clinical testing. Allele origin: germline.
Comment: The COL1A1 c.3118G>A; p.Gly1040Ser variant (rs72653178), also known as p.Gly862Ser, is reported in the literature in several individuals affected with osteogenesis imperfecta (Bardai 2016, Lindahl 2015, Maioli 2019, Mrosk 2018, Obafemi 2008). This variant is reported in ClinVar (Variation ID: 17330), and is absent from general population databases (Exome Variant Server, Genome Aggregation Database), indicating it is not a common polymorphism. The glycine at codon 1040 is highly conserved, and computational analyses (SIFT, PolyPhen-2) predict that this variant is deleterious. This codon is located in a triple helix repeat domain, and glycine substitutions are the most frequent pathogenic alterations in this region (Ben Amor 2011). Based on available information, this variant is considered to be pathogenic. References: Bardai G et al. DNA sequence analysis in 598 individuals with a clinical diagnosis of osteogenesis imperfecta: diagnostic yield and mutation spectrum. Osteoporos Int. 2016 Dec;27(12):3607-3613. Ben Amor I et al. Genotype-phenotype correlations in autosomal dominant osteogenesis imperfecta. J Osteoporos. 2011; 2011:540178. Lindahl K et al. Genetic epidemiology, prevalence, and genotype-phenotype correlations in the Swedish population with osteogenesis imperfecta. Eur J Hum Genet. 2015 Aug;23(8):1112. Maioli M et al. Genotype-phenotype correlation study in 364 osteogenesis imperfecta Italian patients. Eur J Hum Genet. 2019 Jul;27(7):1090-1100. Mrosk J et al. Diagnostic strategies and genotype-phenotype correlation in a large Indian cohort of osteogenesis imperfecta. Bone. 2018 May;110:368-377. Obafemi AA et al. Popcorn calcification in osteogenesis imperfecta: incidence, progression, and molecular correlation. Am J Med Genet A. 2008 Nov 1;146A(21):2725-32.

Athena Diagnostics
Classification: Pathogenic. Last evaluated: 2012-11-01. Review status: criteria provided, single submitter. Criteria: Athena Diagnostics Criteria. Collection method: clinical testing. Allele origin: germline.

OMIM
Classification: Pathogenic for OSTEOGENESIS IMPERFECTA, TYPE III. Last evaluated: 1995-06-01. Review status: no assertion criteria provided. Collection method: literature only. Allele origin: germline. Not counted in ClinVar's aggregate classification.

Department of Medical Sciences, Uppsala University
Classification: Pathogenic for OI type III. Review status: no assertion criteria provided. Collection method: clinical testing. Allele origin: unknown. Affected: yes. Observed: 2 variant alleles. Not counted in ClinVar's aggregate classification.

Literature cited by the submitters: PubMed 18670065 (cited by 3 submitters); PubMed 17078022 (cited by 3 submitters); PubMed 7789952 (cited by 4 submitters); PubMed 27509835 (cited by 5 submitters); PubMed 26177859 (cited by 3 submitters); PubMed 36951356 (cited by 3billion); PubMed 8125479 (cited by 3billion and Athena Diagnostics); PubMed 25944380 (cited by 3billion and Department of Medical Sciences, Uppsala University); PubMed 18798308 (cited by Labcorp Genetics (formerly Invitae), Labcorp and Athena Diagnostics); PubMed 7695699 (cited by Labcorp Genetics (formerly Invitae), Labcorp); PubMed 8218237 (cited by Labcorp Genetics (formerly Invitae), Labcorp); PubMed 9016532 (cited by Labcorp Genetics (formerly Invitae), Labcorp); PubMed 19344236 (cited by Labcorp Genetics (formerly Invitae), Labcorp); PubMed 12362985 (cited by Victorian Clinical Genetics Services, Murdoch Childrens Research Institute); PubMed 9101304 (cited by Athena Diagnostics).